The following is an entry in ClinVar:

NM_139058.3(ARX):c.794G>A (p.Arg265His)

Gene: ARX (aristaless related homeobox; minus strand). Cytogenetic location: Xp21.3.
Variant type: single nucleotide variant.
Coding change: c.794G>A on transcript NM_139058.3 (MANE Select); coding-DNA position 794, G replaced by A.
Protein change: p.Arg265His; replaces arginine 265 with histidine.
Molecular consequence: missense variant.
Genome position (GRCh38, 1-based): chrX:25,013,201, C>T on the plus strand (G>A on the coding strand, the complement: ARX is on the minus strand). VCF-style: chrX-25013201-C-T. GRCh37 (hg19) VCF-style: chrX-25031318-C-T.
Other names: short protein forms R265H.
Identifiers: ClinVar variation 948433 (VCV000948433.12), dbSNP rs1223069540, ClinGen allele CA412612415.

ClinVar aggregate classification (germline): Uncertain significance. Review status: criteria provided, multiple submitters, no conflicts (2 of 4 stars). 4 submissions from 4 submitters: Uncertain significance (3). 1 of the submissions does not count toward it. Last evaluated 2026-02-18.

Conditions:
Developmental and epileptic encephalopathy, 1 (DEE1). Also called: X-linked infantile spasms; West's syndrome; Tonic spasms with clustering, arrest of psychomotor development and hypsarrhythmia on EEG; X-Linked Infantile Spasm Syndrome; OHTAHARA SYNDROME, X-LINKED; INFANTILE SPASM SYNDROME, X-LINKED 1. Identifiers: MedGen C3463992, MONDO:0010632, OMIM 308350. Disease mechanism: loss of function.
Intellectual disability, X-linked, with or without seizures, ARX-related. Also called: Mental retardation, X-linked 52; INTELLECTUAL DEVELOPMENTAL DISORDER, X-LINKED 29; MENTAL RETARDATION, X-LINKED 29; MENTAL RETARDATION, X-LINKED 32; MENTAL RETARDATION, X-LINKED 33; MENTAL RETARDATION, X-LINKED 38. Identifiers: Orphanet 777, MedGen C0796244, MONDO:0010317, OMIM 300419.
Seizure. Also called: Seizures. Identifiers: MedGen C0036572, HP:0001250.

Allele frequency attached by ClinVar (database versions not stated): gnomAD exomes 0.00001 and 0.00002; TOPMed 0.00001.

Submissions (4):

Women's Health and Genetics/Laboratory Corporation of America, LabCorp
Classification: Uncertain significance. Last evaluated: 2026-02-18. Review status: criteria provided, single submitter. Criteria: LabCorp Variant Classification Summary - May 2015. Collection method: clinical testing. Allele origin: germline.
Comment: Variant summary: ARX c.794G>A (p.Arg265His) results in a non-conservative amino acid change in the encoded protein sequence. Algorithms developed to predict the effect of missense changes on protein structure and function are either unavailable or do not agree on the potential impact of this missense change. The variant allele was found at a frequency of 1.7e-05 in 118199 control chromosomes. The available data on variant occurrences in the general population are insufficient to allow any conclusion about variant significance. To our knowledge, no occurrence of c.794G>A in individuals affected with ARX-related conditions and no experimental evidence demonstrating its impact on protein function have been reported. ClinVar contains an entry for this variant (Variation ID: 948433). Based on the evidence outlined above, the variant was classified as uncertain significance.

GeneDx
Classification: Uncertain significance. Last evaluated: 2023-01-25. Review status: criteria provided, single submitter. Criteria: GeneDx Variant Classification Process June 2021. Collection method: clinical testing. Allele origin: germline. Affected: yes.
Comment: In silico analysis supports that this missense variant does not alter protein structure/function; Has not been previously published as pathogenic or benign to our knowledge

Labcorp Genetics (formerly Invitae), Labcorp
Classification: Uncertain significance for Developmental and epileptic encephalopathy, 1; Intellectual disability, X-linked, with or without seizures, ARX-related. Last evaluated: 2019-05-08. Review status: criteria provided, single submitter. Criteria: Invitae Variant Classification Sherloc (09022015). Collection method: clinical testing. Allele origin: germline.
Comment: In summary, the available evidence is currently insufficient to determine the role of this variant in disease. Therefore, it has been classified as a Variant of Uncertain Significance. Algorithms developed to predict the effect of missense changes on protein structure and function are either unavailable or do not agree on the potential impact of this missense change (SIFT: "Deleterious"; PolyPhen-2: "Possibly Damaging"; Align-GVGD: "Class C0"). This variant has not been reported in the literature in individuals with ARX-related conditions. The frequency data for this variant in the population databases is considered unreliable, as metrics indicate insufficient coverage at this position in the ExAC database. This sequence change replaces arginine with histidine at codon 265 of the ARX protein (p.Arg265His). The arginine residue is moderately conserved and there is a small physicochemical difference between arginine and histidine.

Diagnostic Laboratory, Strasbourg University Hospital
Classification: Uncertain significance for Seizure. Review status: no assertion criteria provided. Collection method: clinical testing. Allele origin: de novo. Affected: yes. Observed: 1 heterozygote, 1 mosaic individual. Not counted in ClinVar's aggregate classification.